The following is an entry in ClinVar:

ClinVar aggregate classification (germline): Likely benign. Review status: criteria provided, multiple submitters, no conflicts (2 of 4 stars). 2 submissions from 2 submitters: Likely benign (2). Last evaluated 2021-12-19.

Conditions:
Cryopyrin associated periodic syndrome (CAPS). Identifiers: Orphanet 208650, MedGen C2316212, MONDO:0016168.

Submissions (2):

Labcorp Genetics (formerly Invitae), Labcorp
Classification: Likely benign for Cryopyrin associated periodic syndrome. Last evaluated: 2021-12-19. Review status: criteria provided, single submitter. Criteria: Invitae Variant Classification Sherloc (09022015). Collection method: clinical testing. Allele origin: germline.

GeneDx
Classification: Likely benign. Last evaluated: 2016-08-10. Review status: criteria provided, single submitter. Criteria: GeneDx Variant Classification (06012015). Collection method: clinical testing. Allele origin: germline. Affected: yes.
Comment: This variant is considered likely benign or benign based on one or more of the following criteria: it is a conservative change, it occurs at a poorly conserved position in the protein, it is predicted to be benign by multiple in silico algorithms, and/or has population frequency not consistent with disease.

NM_001243133.2(NLRP3):c.618G>A (p.Leu206=)

Gene: NLRP3 (NLR family pyrin domain containing 3; plus strand). Cytogenetic location: 1q44.
Variant type: single nucleotide variant.
Coding change: c.618G>A on transcript NM_001243133.2 (MANE Select); coding-DNA position 618, G replaced by A.
Protein change: p.Leu206=; no amino-acid change (leucine 206 retained).
Molecular consequence: synonymous variant.
Genome position (GRCh38, 1-based): chr1:247,424,067, G>A. VCF-style: chr1-247424067-G-A. GRCh37 (hg19) VCF-style: chr1-247587369-G-A.
Other names: c.618G>A, p.Leu206= (NM_001079821.3, NM_001127461.3, NM_001127462.3 and 1 more transcripts); c.624G>A, p.Leu208= (NM_004895.5).
Identifiers: ClinVar variation 388518 (VCV000388518.5), dbSNP rs201463849, ClinGen allele CA16603679.